The following is an entry in ClinVar:

NM_001267550.2(TTN):c.14302G>A (p.Gly4768Ser)

Gene: TTN (titin; minus strand). Cytogenetic location: 2q31.2.
Variant type: single nucleotide variant.
Coding change: c.14302G>A on transcript NM_001267550.2 (MANE Select); coding-DNA position 14302, G replaced by A.
Protein change: p.Gly4768Ser; replaces glycine 4768 with serine.
Molecular consequence: missense variant.
Genome position (GRCh38, 1-based): chr2:178,738,151, C>T on the plus strand (G>A on the coding strand, the complement: TTN is on the minus strand). VCF-style: chr2-178738151-C-T. GRCh37 (hg19) VCF-style: chr2-179602878-C-T.
Other names: p.G4451S:GGC>AGC; p.Gly4451Ser; c.13213G>A, p.Gly4405Ser (NM_003319.4); c.13588G>A, p.Gly4530Ser (NM_133432.3); c.13789G>A, p.Gly4597Ser (NM_133437.4); c.13351G>A, p.Gly4451Ser (NM_001256850.1); c.10570G>A, p.Gly3524Ser (NM_133378.4); short protein forms G3524S, G4768S, G4451S, G4530S, G4405S, G4597S.
Identifiers: ClinVar variation 166227 (VCV000166227.21), dbSNP rs727503652, ClinGen allele CA179001.

ClinVar aggregate classification (germline): Conflicting classifications of pathogenicity. Review status: criteria provided, conflicting classifications (1 of 4 stars). 10 submissions from 10 submitters: Uncertain significance (7); Likely benign (3). Last evaluated 2025-10-15.

Conditions:
Cardiovascular phenotype. Identifiers: MedGen CN230736.
TTN-related disorder. Also called: TTN-related condition; TTN-related disease; TTN-related disorders.
Dilated cardiomyopathy 1G (CMD1G). Identifiers: Orphanet 154, MedGen C1858763, MONDO:0011400, OMIM 604145.
Autosomal recessive limb-girdle muscular dystrophy type 2J (LGMDR10). Also called: Limb-girdle muscular dystrophy, type 2J; MUSCULAR DYSTROPHY, LIMB-GIRDLE, AUTOSOMAL RECESSIVE 10. Identifiers: Orphanet 140922, MedGen C1837342, MONDO:0012127, OMIM 608807.
Cardiomyopathy (CMYO). Also called: Cardiomyopathies. Identifiers: Orphanet 167848, MedGen C0878544, MONDO:0004994, HP:0001638. Inheritance: Various modes of inheritance.

Allele frequency attached by ClinVar (database versions not stated): ExAC 0.00002; gnomAD exomes 0.00005; gnomAD 0.00007; TOPMed 0.00007.
gnomAD v4.1: 87 of 1,613,674 alleles (0.0054%); highest among the groups gnomAD compares: East Asian, 0.0089%; no homozygotes.

Submissions (10):

PreventionGenetics, part of Exact Sciences
Classification: Uncertain significance for TTN-related condition. Last evaluated: 2025-10-15. Review status: criteria provided, single submitter. Criteria: ACMG Guidelines, 2015. Collection method: clinical testing. Allele origin: germline.
Comment: The TTN c.14302G>A variant is predicted to result in the amino acid substitution p.Gly4768Ser. This variant has been reported in the compound heterozygous state in a family with limb-girdle muscular dystrophy; however, affected individuals also carried compound heterozygous LAMA2 variants which could potentially explain related phenotypes (Stojkovic et al. 2023. PubMed ID: 36373293). This variant is reported in 0.012% of alleles in individuals of African descent in gnomAD. At this time, the clinical significance of this variant is uncertain due to the absence of conclusive functional and genetic evidence.

Revvity Omics, Revvity
Classification: Uncertain significance. Last evaluated: 2025-07-08. Review status: criteria provided, single submitter. Criteria: ACMG Guidelines, 2015. Collection method: clinical testing. Allele origin: germline.

Women's Health and Genetics/Laboratory Corporation of America, LabCorp
Classification: Uncertain significance. Last evaluated: 2024-03-12. Review status: criteria provided, single submitter. Criteria: LabCorp Variant Classification Summary - May 2015. Collection method: clinical testing. Allele origin: germline.
Comment: Variant summary: TTN c.10570G>A (p.Gly3524Ser) results in a non-conservative amino acid change located in the I band region of the encoded protein sequence. Four of four in-silico tools predict a damaging effect of the variant on protein function. The variant allele was found at a frequency of 5.4e-05 in 1613674 control chromosomes (gnomAD). This frequency is not significantly higher than estimated for a pathogenic variant in TTN causing Dilated Cardiomyopathy (5.4e-05 vs 0.00039), allowing no conclusion about variant significance. To our knowledge, no occurrence of c.10570G>A in individuals affected with Dilated Cardiomyopathy and no experimental evidence demonstrating its impact on protein function have been reported. ClinVar contains an entry for this variant (Variation ID: 166227). Based on the evidence outlined above, the variant was classified as uncertain significance.

Mayo Clinic Laboratories, Mayo Clinic
Classification: Uncertain significance. Last evaluated: 2023-09-20. Review status: criteria provided, single submitter. Criteria: ACMG Guidelines, 2015. Collection method: clinical testing. Allele origin: germline. Observed: 1 variant allele.
Comment: BP5

CHEO Genetics Diagnostic Laboratory, Children's Hospital of Eastern Ontario
Classification: Likely benign for Cardiomyopathy. Last evaluated: 2023-03-21. Review status: criteria provided, single submitter. Criteria: ACMG Guidelines, 2015. Collection method: clinical testing. Allele origin: germline.

Ambry Genetics
Classification: Likely benign for Cardiovascular phenotype. Last evaluated: 2020-01-16. Review status: criteria provided, single submitter. Criteria: Ambry Variant Classification Scheme 2023. Collection method: clinical testing. Allele origin: germline.

GeneDx
Classification: Likely benign. Last evaluated: 2018-02-12. Review status: criteria provided, single submitter. Criteria: GeneDx Variant Classification (06012015). Collection method: clinical testing. Allele origin: germline. Affected: yes.
Comment: This variant is considered likely benign or benign based on one or more of the following criteria: it is a conservative change, it occurs at a poorly conserved position in the protein, it is predicted to be benign by multiple in silico algorithms, and/or has population frequency not consistent with disease.

Labcorp Genetics (formerly Invitae), Labcorp
Classification: Uncertain significance for Dilated cardiomyopathy 1G; Autosomal recessive limb-girdle muscular dystrophy type 2J. Last evaluated: 2017-07-10. Review status: criteria provided, single submitter. Criteria: Invitae Variant Classification Sherloc (09022015). Collection method: clinical testing. Allele origin: germline.

Eurofins Ntd Llc (ga)
Classification: Uncertain significance. Last evaluated: 2015-09-28. Review status: criteria provided, single submitter. Criteria: EGL Classification Definitions 2015. Collection method: clinical testing. Allele origin: germline. Observed: 1 variant allele, 1 heterozygote.

Laboratory for Molecular Medicine, Mass General Brigham Personalized Medicine
Classification: Uncertain significance. Last evaluated: 2013-10-15. Review status: criteria provided, single submitter. Criteria: LMM Criteria. Collection method: clinical testing. Allele origin: germline. Observed: 1 variant allele.
Comment: The Gly3524Ser variant in TTN has not been previously reported in individuals wi th cardiomyopathy or in large population studies. Computational analyses (bioche mical amino acid properties, conservation, AlignGVGD, PolyPhen2, and SIFT) do no t provide strong support for or against an impact to the protein. Additional inf ormation is needed to fully assess the clinical significance of the Gly3524Ser v ariant.